The following is an entry in ClinVar:

NM_007294.4(BRCA1):c.5401G>C (p.Gly1801Arg)

Gene: BRCA1 (BRCA1 DNA repair associated; minus strand). Cytogenetic location: 17q21.31.
Variant type: single nucleotide variant.
Coding change: c.5401G>C on transcript NM_007294.4 (MANE Select); coding-DNA position 5401, G replaced by C.
Protein change: p.Gly1801Arg; replaces glycine 1801 with arginine.
Molecular consequence: missense variant. On other transcripts: non-coding transcript variant (1), intron variant (1).
Genome position (GRCh38, 1-based): chr17:43,049,126, C>G on the plus strand (G>C on the coding strand, the complement: BRCA1 is on the minus strand). VCF-style: chr17-43049126-C-G. GRCh37 (hg19) VCF-style: chr17-41201143-C-G.
Other names: c.5278G>C, p.Gly1760Arg (NM_001407664.1, NM_001407665.1, NM_001407666.1 and 3 more transcripts); c.5275G>C, p.Gly1759Arg (NM_001407670.1, NM_001407671.1, NM_001407672.1 and 8 more transcripts); c.5188G>C, p.Gly1730Arg (NM_001407571.1, NM_001407894.1, NM_001407895.1 and 12 more transcripts); c.5467G>C, p.Gly1823Arg (NM_001407581.1, NM_001407582.1); c.5464G>C, p.Gly1822Arg (NM_001407583.1, NM_001407585.1, NM_001407587.1 and 1 more transcripts); c.5461G>C, p.Gly1821Arg (NM_001407590.1, NM_001407591.1); c.5401G>C, p.Gly1801Arg (NM_001407593.1, NM_001407594.1, NM_001407596.1 and 5 more transcripts); c.5398G>C, p.Gly1800Arg (NM_001407614.1, NM_001407615.1, NM_001407616.1 and 14 more transcripts); and 73 more; short protein forms G697R, G1754R, G1801R, G1822R, G1674R, G1734R, G1752R, G1759R.
Identifiers: ClinVar variation 865701 (VCV000865701.4), dbSNP rs587776492, ClinGen allele CA10590675.

ClinVar aggregate classification (germline): Uncertain significance (1 of 4 stars; one submission).

Submissions (2):

Women's Health and Genetics/Laboratory Corporation of America, LabCorp
Classification: Uncertain significance. Last evaluated: 2022-12-15. Review status: criteria provided, single submitter. Criteria: LabCorp Variant Classification Summary - May 2015. Collection method: clinical testing. Allele origin: germline.
Comment: Variant summary: BRCA1 c.5401G>C (p.Gly1801Arg) results in a non-conservative amino acid change located in the BRCT domain (IPR001357) of the encoded protein sequence. Four of five in-silico tools predict a benign effect of the variant on protein function. The variant was absent in 251420 control chromosomes (gnomAD). The available data on variant occurrences in the general population are insufficient to allow any conclusion about variant significance. To our knowledge, no occurrence of c.5401G>C in individuals affected with Hereditary Breast And Ovarian Cancer Syndrome has been reported. One functional study reports experimental evidence evaluating an impact on protein function and showed no damaging effect of this variant on homology directed repair (HDR) activity (Findlay_2018). HDR assays qualify as a recognized gold standard on the basis of updated guidance provided by the ClinGen Sequence Variant Interpretation (SVI) working group. No clinical diagnostic laboratories have submitted clinical-significance assessments for this variant to ClinVar after 2014. Based on the evidence outlined above, the variant was classified as uncertain significance.

Brotman Baty Institute, University of Washington
No classification provided (evidence only). Condition: Breast-ovarian cancer, familial 1. Review status: no classification provided. Collection method: in vitro. Allele origin: not applicable. Functional consequence: functionally_normal. Not counted in ClinVar's aggregate classification.
ClinVar note: "not provided" was previously submitted as the classification for the variant. However, the classification appeared to be based only on an observation of functional data so it was converted to no classification on 2025-07-30.

Literature cited by the submitters: PubMed 30209399 (cited by Women's Health and Genetics/Laboratory Corporation of America, LabCorp).